The following is an entry in ClinVar:

ClinVar aggregate classification (germline): Pathogenic (1 of 4 stars; one submission).

Conditions:
Hereditary cancer-predisposing syndrome. Also called: Hereditary neoplastic syndrome; Neoplastic Syndromes, Hereditary; Tumor predisposition; Hereditary Cancer Syndrome. Identifiers: Orphanet 140162, MedGen C0027672, MeSH D009386, MONDO:0015356.

Submission:

Ambry Genetics
Classification: Pathogenic for Hereditary cancer-predisposing syndrome. Last evaluated: 2022-07-22. Review status: criteria provided, single submitter. Criteria: Ambry Variant Classification Scheme 2023. Collection method: clinical testing. Allele origin: germline.
Comment: The c.8123delA pathogenic mutation, located in coding exon 54 of the ATM gene, results from a deletion of one nucleotide at nucleotide position 8123, causing a translational frameshift with a predicted alternate stop codon (p.D2708Vfs*15). This variant is considered to be rare based on population cohorts in the Genome Aggregation Database (gnomAD). This alteration is expected to result in loss of function by premature protein truncation or nonsense-mediated mRNA decay. As such, this alteration is interpreted as a disease-causing mutation.

NM_000051.4(ATM):c.8123del (p.Asp2708fs)

Genes: ATM (ATM serine/threonine kinase; plus strand), C11orf65 (chromosome 11 open reading frame 65; minus strand). Cytogenetic location: 11q22.3.
Variant type: Deletion.
Coding change: c.8123del on transcript NM_000051.4 (MANE Select); coding-DNA position 8123, one base deleted (A; older notation c.8123delA).
Protein change: p.Asp2708fs; shifts the reading frame from aspartic acid 2708.
Molecular consequence: frameshift variant. On other transcripts: intron variant (2).
Genome position (GRCh38, 1-based): chr11:108,335,081, A deleted. VCF-style (leftmost placement, unchanged base first): chr11-108335080-GA-G. GRCh37 (hg19) VCF-style: chr11-108205807-GA-G.
Other names: c.8123del, p.Asp2708fs (NM_001351834.2); c.641-26010del (NM_001330368.2); c.*38+139del (NM_001351110.2); short protein forms D2708fs.
Identifiers: ClinVar variation 1762099 (VCV001762099.2), dbSNP rs2547331166, ClinGen allele CA2580083067.
Genomic context (GRCh38, chr11:108,335,080, plus strand): 5'-GCAGAATTTCGCTTAGCAGGAGGTGTAAATTTACCAAAAATAATAGATTGTGTAGGTTCC[GA>G]TGGCAAGGAGAGGAGACAGCTTGTTAAGGTGAGCCTTCCCTTCTCTGGCTTAGCCCTTAG-3'